The following is an entry in ClinVar:

NM_001394372.1(BICRA):c.1810C>T (p.Gln604Ter)

Gene: BICRA (BRD4 interacting chromatin remodeling complex associated protein; plus strand). Cytogenetic location: 19q13.33.
Variant type: single nucleotide variant.
Coding change: c.1810C>T on transcript NM_001394372.1 (MANE Select); coding-DNA position 1810, C replaced by T.
Protein change: p.Gln604Ter; replaces glutamine 604 with a stop codon.
Molecular consequence: nonsense.
Genome position (GRCh38, 1-based): chr19:47,680,980, C>T. VCF-style: chr19-47680980-C-T. GRCh37 (hg19) VCF-style: chr19-48184237-C-T.
Other names: c.1810C>T, p.Gln604Ter (NM_015711.3); short protein forms Q604*.
Identifiers: ClinVar variation 4839437 (VCV004839437.1).

ClinVar aggregate classification (germline): Pathogenic (1 of 4 stars; one submission).

gnomAD v4.1: 2 of 1,467,576 alleles (0.00014%); highest among the groups gnomAD compares: Non-Finnish European, 0.000089%; no homozygotes.

Submission:

Ambry Genetics
Classification: Pathogenic. Last evaluated: 2026-01-22. Review status: criteria provided, single submitter. Criteria: Ambry Variant Classification Scheme 2023. Collection method: clinical testing. Allele origin: germline.
Comment: The c.1810C>T (p.Q604*) alteration, located in exon 6 (coding exon 4) of the BICRA gene, consists of a C to T substitution at nucleotide position 1810. This changes the amino acid from a glutamine (Q) to a stop codon at amino acid position 604. This variant is expected to result in loss of function by premature protein truncation or nonsense-mediated mRNA decay. This variant was not reported in population-based cohorts in the Genome Aggregation Database (gnomAD). Based on the available evidence, this alteration is classified as pathogenic.